The following is an entry in ClinVar:

NM_182961.4(SYNE1):c.8652+307G>A

Gene: SYNE1 (spectrin repeat containing nuclear envelope protein 1; minus strand). Cytogenetic location: 6q25.2.
Variant type: single nucleotide variant.
Coding change: c.8652+307G>A on transcript NM_182961.4 (MANE Select); 307 bases into the intron after coding-DNA position 8652, G replaced by A.
Molecular consequence: intron variant.
Genome position (GRCh38, 1-based): chr6:152,385,367, C>T on the plus strand (G>A on the coding strand, the complement: SYNE1 is on the minus strand). VCF-style: chr6-152385367-C-T. GRCh37 (hg19) VCF-style: chr6-152706502-C-T.
Other names: c.8673+307G>A (NM_033071.5).
Identifiers: ClinVar variation 673968 (VCV000673968.1), dbSNP rs116482769, ClinGen allele CA150236343.
Genomic context (GRCh38, chr6:152,385,367, plus strand): 5'-ATGACATTTTCAGGTTATTGTTAGAATACATTTAACTAAGTTACTATATAAACTTTTCTT[C>T]TATGGTGCTAAACAATAGTATCTGGTTTTGTCAGCCCACCAAATTAGCCATTTCCTAGCC-3'

ClinVar aggregate classification (germline): Likely benign (1 of 4 stars; one submission).

Allele frequency attached by ClinVar (database versions not stated): gnomAD 0.01320 and 0.01339; TOPMed 0.01408; 1000 Genomes Project 0.02396; 1000 Genomes Project 30x 0.02436.
gnomAD v4.1: 2,025 of 152,246 alleles (1.3%); highest among the groups gnomAD compares: African/African-American, 4%; 39 homozygotes.

Submission:

GeneDx
Classification: Likely benign. Last evaluated: 2018-06-18. Review status: criteria provided, single submitter. Criteria: GeneDx Variant Classification (06012015). Collection method: clinical testing. Allele origin: germline. Affected: yes.
Comment: This variant is considered likely benign or benign based on one or more of the following criteria: it is a conservative change, it occurs at a poorly conserved position in the protein, it is predicted to be benign by multiple in silico algorithms, and/or has population frequency not consistent with disease.